The following is an entry in ClinVar:

NM_000049.4(ASPA):c.244_245del (p.Met82fs)

Genes: ASPA (aspartoacylase; plus strand), SPATA22 (spermatogenesis associated 22; minus strand). Cytogenetic location: 17p13.2.
Variant type: Deletion.
Coding change: c.244_245del on transcript NM_000049.4 (MANE Select); coding-DNA positions 244 to 245, 2 bases deleted (AT; older notation c.244_245delAT).
Protein change: p.Met82fs; shifts the reading frame from methionine 82.
Molecular consequence: frameshift variant. On other transcripts: intron variant (2).
Genome position (GRCh38, 1-based): chr17:3,481,610-3,481,611, AT deleted. VCF-style (leftmost placement, unchanged base first): chr17-3481609-AAT-A. GRCh37 (hg19) VCF-style: chr17-3384903-AAT-A.
Other names: c.244_245del, p.Met82fs (NM_001128085.1); c.-73-12213_-73-12212del (NM_001321336.2, NM_001321337.2); short protein forms M82fs.
Identifiers: ClinVar variation 189005 (VCV000189005.9), dbSNP rs786204620, ClinGen allele CA274240.

ClinVar aggregate classification (germline): Pathogenic. Review status: criteria provided, multiple submitters, no conflicts (2 of 4 stars). 4 submissions from 4 submitters: Pathogenic (3). 1 of the submissions does not count toward it. Last evaluated 2024-06-13.

Conditions:
Inborn genetic diseases. Identifiers: MedGen C0950123, MeSH D030342.
Spongy degeneration of central nervous system. Also called: ASPA DEFICIENCY; ASPARTOACYLASE DEFICIENCY; ACY2 DEFICIENCY; AMINOACYLASE 2 DEFICIENCY; CANAVAN-VAN BOGAERT-BERTRAND DISEASE; ASP DEFICIENCY. Identifiers: Orphanet 141, MedGen C0206307, MONDO:0010079, OMIM 271900.

Submissions (4):

Natera, Inc.
Classification: Pathogenic for Canavan Disease. Last evaluated: 2024-06-13. Review status: criteria provided, single submitter. Criteria: Natera Variant Classification Schema (03/2026). Collection method: clinical testing. Allele origin: germline.
Comment: The c.244_245delAT variant in ASPA is a frameshift variant predicted to shift the reading frame beginning at codon 82 and leads to a stop codon 7 codons downstream. This variant is expected to result in nonsense mediated decay, truncation, or a dysfunctional protein product. This variant is rare in the general population with a frequency below the threshold expected for the associated phenotype(s). This variant has been observed in one or more individuals affected with the associated recessive disease, as either homozygous or compound heterozygous with a second variant (PMID: 16854607, 38718669). Given the available evidence, this variant is classified as Pathogenic.

Labcorp Genetics (formerly Invitae), Labcorp
Classification: Pathogenic for Spongy degeneration of central nervous system. Last evaluated: 2022-10-13. Review status: criteria provided, single submitter. Criteria: Invitae Variant Classification Sherloc (09022015). Collection method: clinical testing. Allele origin: germline.
Comment: This premature translational stop signal has been observed in individual(s) with Canavan disease (PMID: 16854607). This variant is not present in population databases (gnomAD no frequency). This sequence change creates a premature translational stop signal (p.Met82Valfs*7) in the ASPA gene. It is expected to result in an absent or disrupted protein product. Loss-of-function variants in ASPA are known to be pathogenic (PMID: 12638939). ClinVar contains an entry for this variant (Variation ID: 189005). For these reasons, this variant has been classified as Pathogenic.

Ambry Genetics
Classification: Pathogenic for Inborn genetic diseases. Last evaluated: 2021-06-29. Review status: criteria provided, single submitter. Criteria: Ambry Variant Classification Scheme 2023. Collection method: clinical testing. Allele origin: germline.
Comment: The c.244_245delAT (p.M82Vfs*7) alteration, located in exon 2 (coding exon 2) of the ASPA gene, consists of a deletion of 2 nucleotides from position 244 to 245, causing a translational frameshift with a predicted alternate stop codon after 7 amino acids. This alteration is expected to result in loss of function by premature protein truncation or nonsense-mediated mRNA decay. Based on data from the Genome Aggregation Database (gnomAD), the ASPA c.244_245delAT alteration was not observed, with coverage at this position. This mutation has been reported in the homozygous state in a patient with Canavan disease (Zeng, 2006). Based on the available evidence, this alteration is classified as pathogenic.

Counsyl
Classification: Likely pathogenic for Spongy degeneration of central nervous system. Last evaluated: 2014-10-10. Review status: no assertion criteria provided. Collection method: literature only. Allele origin: unknown. Inheritance: Autosomal recessive inheritance. Not counted in ClinVar's aggregate classification.

Literature cited by the submitters: PubMed 16854607 (cited by 4 submitters); PubMed 38718669 (cited by Natera, Inc.); PubMed 12638939 (cited by Labcorp Genetics (formerly Invitae), Labcorp); PubMed 17027983 (cited by Counsyl).